The following is an entry in ClinVar:

ClinVar aggregate classification (germline): Pathogenic (1 of 4 stars; one submission).

Conditions:
Deficiency of butyryl-CoA dehydrogenase (ACADSD). Also called: SCADH DEFICIENCY; ACADS DEFICIENCY; Short-Chain Acyl-CoA Dehydrogenase Deficiency; SCAD DEFICIENCY, MILD; ACYL-CoA DEHYDROGENASE, SHORT-CHAIN, DEFICIENCY OF; SCAD Deficiency. Identifiers: Orphanet 26792, MedGen C0342783, MONDO:0008722, OMIM 201470. Disease mechanism: May be benign.

Submission:

Labcorp Genetics (formerly Invitae), Labcorp
Classification: Pathogenic for Deficiency of butyryl-CoA dehydrogenase. Last evaluated: 2022-08-15. Review status: criteria provided, single submitter. Criteria: Invitae Variant Classification Sherloc (09022015). Collection method: clinical testing. Allele origin: germline.
Comment: For these reasons, this variant has been classified as Pathogenic. This variant disrupts a region of the ACADS protein in which other variant(s) (p.Arg272Cys) have been determined to be pathogenic (PMID: 27051597; Invitae). This suggests that this is a clinically significant region of the protein, and that variants that disrupt it are likely to be disease-causing. This variant has not been reported in the literature in individuals affected with ACADS-related conditions. This variant results in the deletion of exons 3-6 and part of exon 7 (c.211-335_907del) of the ACADS gene. It is expected to disrupt RNA splicing. Variants that disrupt the donor or acceptor splice site typically lead to a loss of protein function (PMID: 16199547), and loss-of-function variants in ACADS are known to be pathogenic (PMID: 12736383, 18523805).

Literature cited by the submitters: PubMed 27051597; PubMed 16199547; PubMed 12736383; PubMed 18523805.

NC_000012.11:g.(?_121174454)_(121176447_?)del

Gene: ACADS (acyl-CoA dehydrogenase short chain; plus strand). Cytogenetic location: 12q24.31.
Variant type: Deletion.
Identifiers: ClinVar variation 2422134 (VCV002422134.4).